The following is an entry in ClinVar:

ClinVar aggregate classification (germline): Uncertain significance. Review status: criteria provided, multiple submitters, no conflicts (2 of 4 stars). 2 submissions from 2 submitters: Uncertain significance (2). Last evaluated 2026-01-20.

Conditions:
Hereditary cancer-predisposing syndrome. Also called: Neoplastic Syndromes, Hereditary; Tumor predisposition; Hereditary Cancer Syndrome; Hereditary neoplastic syndrome. Identifiers: Orphanet 140162, MedGen C0027672, MeSH D009386, MONDO:0015356.
Gastrointestinal stromal tumor. Also called: Gastrointestinal stromal tumor, somatic; Gastrointestinal stroma tumor. Identifiers: Orphanet 44890, MedGen C0238198, MeSH D046152, MONDO:0011719, OMIM 606764, HP:0100723.

Allele frequency attached by ClinVar (database versions not stated): gnomAD exomes below 0.00001.
gnomAD v4.1: 1 of 1,613,208 alleles (0.000062%); highest among the groups gnomAD compares: Non-Finnish European, 0.000085%; no homozygotes.

Submissions (2):

Labcorp Genetics (formerly Invitae), Labcorp
Classification: Uncertain significance for Gastrointestinal stromal tumor. Last evaluated: 2026-01-20. Review status: criteria provided, single submitter. Criteria: Invitae Variant Classification Sherloc (09022015). Collection method: clinical testing. Allele origin: germline.
Comment: This sequence change replaces aspartic acid, which is acidic and polar, with glutamic acid, which is acidic and polar, at codon 357 of the KIT protein (p.Asp357Glu). This variant is not present in population databases (gnomAD no frequency). This variant has not been reported in the literature in individuals affected with KIT-related conditions. ClinVar contains an entry for this variant (Variation ID: 1783682). An algorithm developed to predict the effect of missense changes on protein structure and function (PolyPhen-2) suggests that this variant is likely to be tolerated. In summary, the available evidence is currently insufficient to determine the role of this variant in disease. Therefore, it has been classified as a Variant of Uncertain Significance.

Ambry Genetics
Classification: Uncertain significance for Hereditary cancer-predisposing syndrome. Last evaluated: 2022-03-06. Review status: criteria provided, single submitter. Criteria: Ambry Variant Classification Scheme 2023. Collection method: clinical testing. Allele origin: germline.
Comment: The p.D357E variant (also known as c.1071T>A), located in coding exon 6 of the KIT gene, results from a T to A substitution at nucleotide position 1071. The aspartic acid at codon 357 is replaced by glutamic acid, an amino acid with highly similar properties. This amino acid position is conserved. In addition, this alteration is predicted to be tolerated by in silico analysis. Since supporting evidence is limited at this time, the clinical significance of this alteration remains unclear.

NM_000222.3(KIT):c.1071T>A (p.Asp357Glu)

Gene: KIT (KIT proto-oncogene, receptor tyrosine kinase; plus strand). Cytogenetic location: 4q12.
Variant type: single nucleotide variant.
Coding change: c.1071T>A on transcript NM_000222.3 (MANE Select); coding-DNA position 1071, T replaced by A.
Protein change: p.Asp357Glu; replaces aspartic acid 357 with glutamic acid.
Molecular consequence: missense variant.
Genome position (GRCh38, 1-based): chr4:54,707,243, T>A. VCF-style: chr4-54707243-T-A. GRCh37 (hg19) VCF-style: chr4-55573409-T-A.
Other names: c.1071T>A, p.Asp357Glu (NM_001093772.2, NM_001385285.1, NM_001385286.1); c.1074T>A, p.Asp358Glu (NM_001385284.1, NM_001385288.1, NM_001385290.1 and 1 more transcripts); short protein forms D358E, D357E.
Identifiers: ClinVar variation 1783682 (VCV001783682.3), dbSNP rs2475479076, ClinGen allele CA356901097.